The following is an entry in ClinVar:

ClinVar aggregate classification (germline): Conflicting classifications of pathogenicity. Review status: criteria provided, conflicting classifications (1 of 4 stars). 3 submissions from 2 submitters: Likely pathogenic (1); Uncertain significance (1). 1 of the submissions does not count toward it. Last evaluated 2024-06-04.

Conditions:
Charcot-Marie-Tooth disease type 2. Also called: Charcot-Marie-Tooth type 2. Identifiers: Orphanet 64746, MedGen C0270914, MONDO:0018993.
Charcot-Marie-Tooth disease type 2A2. Also called: CHARCOT-MARIE-TOOTH DISEASE, AXONAL, AUTOSOMAL DOMINANT, TYPE 2A2A; CHARCOT-MARIE-TOOTH DISEASE, AXONAL, TYPE 2A2; CHARCOT-MARIE-TOOTH DISEASE, NEURONAL, TYPE 2A2; Charcot-Marie-Tooth Neuropathy Type 2A2; HEREDITARY MOTOR AND SENSORY NEUROPATHY IIA2; HMSN IIA2. Identifiers: Orphanet 99947, MedGen C4721887, MONDO:0012231, OMIM 609260.
Charcot-Marie-Tooth disease, axonal, autosomal recessive, type 2a2b;. Also called: Charcot-Marie-Tooth disease, axonal, type 2A2B; Charcot-Marie-Tooth disease, axonal, autosomal recessive, type 2A2B. Identifiers: MedGen C4310725, MONDO:0014906, OMIM 617087.

Allele frequency attached by ClinVar (database versions not stated): gnomAD exomes below 0.00001; TOPMed below 0.00001.
gnomAD v4.1: 1 of 1,614,178 alleles (0.000062%); highest among the groups gnomAD compares: Non-Finnish European, 0.000085%; no homozygotes.

Submissions (3):

Labcorp Genetics (formerly Invitae), Labcorp
Classification: Uncertain significance for Charcot-Marie-Tooth disease type 2. Last evaluated: 2024-06-04. Review status: criteria provided, single submitter. Criteria: Invitae Variant Classification Sherloc (09022015). Collection method: clinical testing. Allele origin: germline.
Comment: This sequence change replaces glycine, which is neutral and non-polar, with serine, which is neutral and polar, at codon 176 of the MFN2 protein (p.Gly176Ser). This variant is not present in population databases (gnomAD no frequency). This missense change has been observed in individuals with Charcot-Marie-Tooth disease (PMID: 26257172, 29361379). ClinVar contains an entry for this variant (Variation ID: 243074). Advanced modeling of protein sequence and biophysical properties (such as structural, functional, and spatial information, amino acid conservation, physicochemical variation, residue mobility, and thermodynamic stability) has been performed at Invitae for this missense variant, however the output from this modeling did not meet the statistical confidence thresholds required to predict the impact of this variant on MFN2 protein function. This variant disrupts the p.Gly176 amino acid residue in MFN2. Other variant(s) that disrupt this residue have been observed in individuals with MFN2-related conditions (PMID: 28286897), which suggests that this may be a clinically significant amino acid residue. In summary, the available evidence is currently insufficient to determine the role of this variant in disease. Therefore, it has been classified as a Variant of Uncertain Significance.

Lupski Lab, Baylor-Hopkins CMG, Baylor College of Medicine
Classification: Likely pathogenic for Charcot-Marie-Tooth disease type 2A2. Last evaluated: 2015-08-18. Review status: criteria provided, single submitter. Criteria: Gonzaga-Jauregui et al. (Cell Rep. 2015). Collection method: research. Allele origin: inherited. Inheritance: Autosomal recessive inheritance. Affected: yes. Observed: 1 variant allele, 1 homozygote.
Comment: Likely pathogenic based on conservation and prediction scores (Phylop, LRT, MutationTaster).

Lupski Lab, Baylor-Hopkins CMG, Baylor College of Medicine
Classification: Likely pathogenic for Charcot-Marie-Tooth disease, axonal, autosomal recessive, type 2a2b;. Review status: no assertion criteria provided. Collection method: research. Allele origin: inherited. Inheritance: Autosomal recessive inheritance. Affected: yes. Observed: 1 variant allele, 3 heterozygotes, 1 homozygote. Not counted in ClinVar's aggregate classification.

Literature cited by the submitters: PubMed 26257172 (cited by Labcorp Genetics (formerly Invitae), Labcorp); PubMed 29361379 (cited by Labcorp Genetics (formerly Invitae), Labcorp); PubMed 28286897 (cited by Labcorp Genetics (formerly Invitae), Labcorp).

NM_014874.4(MFN2):c.526G>A (p.Gly176Ser)

Gene: MFN2 (mitofusin 2; plus strand). Cytogenetic location: 1p36.22.
Variant type: single nucleotide variant.
Coding change: c.526G>A on transcript NM_014874.4 (MANE Select); coding-DNA position 526, G replaced by A.
Protein change: p.Gly176Ser; replaces glycine 176 with serine.
Molecular consequence: missense variant.
Genome position (GRCh38, 1-based): chr1:11,997,348, G>A. VCF-style: chr1-11997348-G-A. GRCh37 (hg19) VCF-style: chr1-12057405-G-A.
Other names: c.526G>A, p.Gly176Ser (NM_001127660.2); short protein forms G176S.
Identifiers: ClinVar variation 243074 (VCV000243074.4), dbSNP rs879253862, ClinGen allele CA10584073.